The following is an entry in ClinVar:

NM_001458.5(FLNC):c.3499C>T (p.Arg1167Cys)

Gene: FLNC (filamin C; plus strand). Cytogenetic location: 7q32.1.
Variant type: single nucleotide variant.
Coding change: c.3499C>T on transcript NM_001458.5 (MANE Select); coding-DNA position 3499, C replaced by T.
Protein change: p.Arg1167Cys; replaces arginine 1167 with cysteine.
Molecular consequence: missense variant.
Genome position (GRCh38, 1-based): chr7:128,844,964, C>T. VCF-style: chr7-128844964-C-T. GRCh37 (hg19) VCF-style: chr7-128485018-C-T.
Other names: c.3499C>T, p.Arg1167Cys (NM_001127487.2); short protein forms R1167C.
Identifiers: ClinVar variation 574272 (VCV000574272.16), dbSNP rs766439553, ClinGen allele CA4475056.

ClinVar aggregate classification (germline): Uncertain significance. Review status: criteria provided, multiple submitters, no conflicts (2 of 4 stars). 7 submissions from 7 submitters: Uncertain significance (7). Last evaluated 2026-01-18.

Conditions:
Myofibrillar myopathy 5. Also called: FILAMINOPATHY, AUTOSOMAL DOMINANT; Filaminopathy (type). Identifiers: Orphanet 171445, MedGen C1836050, MONDO:0012289, OMIM 609524.
Hypertrophic cardiomyopathy 26. Also called: Cardiomyopathy, familial hypertrophic, 26. Identifiers: Orphanet 75249, MedGen C4310749, MONDO:0014883, OMIM 617047.
Distal myopathy with posterior leg and anterior hand involvement. Also called: WILLIAMS DISTAL MYOPATHY. Identifiers: Orphanet 63273, MedGen C3279722, MONDO:0013550, OMIM 614065.
Cardiovascular phenotype. Identifiers: MedGen CN230736.
Hypertrophic cardiomyopathy. Also called: HYPERTROPHIC MYOCARDIOPATHY. Identifiers: Orphanet 217569, MedGen C0007194, MeSH D002312, MONDO:0005045, HP:0001639.

Allele frequency attached by ClinVar (database versions not stated): gnomAD 0.00001 and 0.00002; ExAC 0.00002; gnomAD exomes 0.00002; TOPMed 0.00006.
gnomAD v4.1: 39 of 1,613,702 alleles (0.0024%); highest among the groups gnomAD compares: South Asian, 0.0066%; no homozygotes.

Submissions (7):

Labcorp Genetics (formerly Invitae), Labcorp
Classification: Uncertain significance for Distal myopathy with posterior leg and anterior hand involvement; Myofibrillar myopathy 5; Hypertrophic cardiomyopathy 26. Last evaluated: 2026-01-18. Review status: criteria provided, single submitter. Criteria: Invitae Variant Classification Sherloc (09022015). Collection method: clinical testing. Allele origin: germline.
Comment: This sequence change replaces arginine, which is basic and polar, with cysteine, which is neutral and slightly polar, at codon 1167 of the FLNC protein (p.Arg1167Cys). This variant is present in population databases (rs766439553, gnomAD 0.006%). This missense change has been observed in individual(s) with hypertrophic cardiomyopathy (PMID: 31513939). ClinVar contains an entry for this variant (Variation ID: 574272). Invitae Evidence Modeling of protein sequence and biophysical properties (such as structural, functional, and spatial information, amino acid conservation, physicochemical variation, residue mobility, and thermodynamic stability) has been performed for this missense variant. However, the output from this modeling did not meet the statistical confidence thresholds required to predict the impact of this variant on FLNC protein function. In summary, the available evidence is currently insufficient to determine the role of this variant in disease. Therefore, it has been classified as a Variant of Uncertain Significance.

Women's Health and Genetics/Laboratory Corporation of America, LabCorp
Classification: Uncertain significance. Last evaluated: 2025-09-23. Review status: criteria provided, single submitter. Criteria: LabCorp Variant Classification Summary - May 2015. Collection method: clinical testing. Allele origin: germline.
Comment: Variant summary: FLNC c.3499C>T (p.Arg1167Cys) results in a non-conservative amino acid change in the encoded protein sequence. Algorithms developed to predict the effect of missense changes on protein structure and function all suggest that this variant is likely to be disruptive. The variant allele was found at a frequency of 2e-05 in 249158 control chromosomes. The available data on variant occurrences in the general population are insufficient to allow any conclusion about variant significance. c.3499C>T has been observed in individual(s) affected with hypertrophic cardiomyopathy (Robyns_2020). These report(s) do not provide unequivocal conclusions about association of the variant with Cardiomyopathy. To our knowledge, no experimental evidence demonstrating an impact on protein function has been reported. The following publication has been ascertained in the context of this evaluation (PMID: 31513939). ClinVar contains an entry for this variant (Variation ID: 574272). Based on the evidence outlined above, the variant was classified as uncertain significance.

Athena Diagnostics
Classification: Uncertain significance. Last evaluated: 2025-05-19. Review status: criteria provided, single submitter. Criteria: Athena Diagnostics Criteria. Collection method: clinical testing. Allele origin: unknown.
Comment: Available data are insufficient to determine the clinical significance of the variant at this time. The frequency of this variant in the general population is uninformative in assessment of its pathogenicity. This variant has been identified in at least one individual with hypertrophic cardiomyopathy. Polyphen and MutationTaster predict this amino acid change may be benign.

GeneDx
Classification: Uncertain significance. Last evaluated: 2024-09-05. Review status: criteria provided, single submitter. Criteria: GeneDx Variant Classification Process June 2021. Collection method: clinical testing. Allele origin: germline. Affected: yes.
Comment: Reported in a patient with HCM, though additional clinical data were not provided (PMID: 31513939); In silico analysis supports that this missense variant has a deleterious effect on protein structure/function; This variant is associated with the following publications: (PMID: 31513939, 26555887)

Ambry Genetics
Classification: Uncertain significance for Cardiovascular phenotype. Last evaluated: 2023-12-13. Review status: criteria provided, single submitter. Criteria: Ambry Variant Classification Scheme 2023. Collection method: clinical testing. Allele origin: germline.
Comment: The p.R1167C variant (also known as c.3499C>T), located in coding exon 21 of the FLNC gene, results from a C to T substitution at nucleotide position 3499. The arginine at codon 1167 is replaced by cysteine, an amino acid with highly dissimilar properties. This alteration has been reported in a hypertrophic cardiomyopathy (HCM) cohort and in a control population for a frontotemporal dementia (FTD) cohort (Janssens J et al. Acta Neuropathol Commun, 2015 Nov;3:68; Robyns T et al. Eur J Med Genet, 2020 Mar;63:103754). This amino acid position is well conserved in available vertebrate species. In addition, the in silico prediction for this alteration is inconclusive. Since supporting evidence is limited at this time, the clinical significance of this alteration remains unclear.

Cambridge Genomics Laboratory, East Genomic Laboratory Hub, NHS Genomic Medicine Service
Classification: Uncertain significance for Hypertrophic cardiomyopathy. Last evaluated: 2020-03-30. Review status: criteria provided, single submitter. Criteria: ACGS Best Practice Guidelines for Variant Classification in Rare Disease 2020. Collection method: clinical testing. Allele origin: germline. Affected: yes. Observed: 1 variant allele.

Center for Human Genetics, University of Leuven
Classification: Uncertain significance for Hypertrophic cardiomyopathy. Last evaluated: 2018-10-31. Review status: criteria provided, single submitter. Criteria: ACMG Guidelines, 2015. Collection method: clinical testing. Allele origin: germline. Affected: yes.

Literature cited by the submitters: PubMed 31513939 (cited by 4 submitters); PubMed 26555887 (cited by Athena Diagnostics and Ambry Genetics).